The following is an entry in ClinVar:

ClinVar aggregate classification (germline): Likely benign. Review status: criteria provided, multiple submitters, no conflicts (2 of 4 stars). 3 submissions from 3 submitters: Likely benign (3). Last evaluated 2025-03-03.

Conditions:
RHO-related disorder. Also called: RHO-related condition.

Allele frequency attached by ClinVar (database versions not stated): gnomAD 0.00001; TOPMed 0.00001; ExAC 0.00003; gnomAD exomes 0.00003; 1000 Genomes Project 0.00020.

Submissions (3):

PreventionGenetics, part of Exact Sciences
Classification: Likely benign for RHO-related condition. Last evaluated: 2025-03-03. Review status: criteria provided, single submitter. Criteria: ACMG Guidelines, 2015. Collection method: clinical testing. Allele origin: germline.
Comment: This variant is classified as likely benign based on ACMG/AMP sequence variant interpretation guidelines (Richards et al. 2015 PMID: 25741868, with internal and published modifications).

Blueprint Genetics
Classification: Likely benign. Last evaluated: 2024-08-26. Review status: criteria provided, single submitter. Criteria: ACMG Guidelines, 2015. Collection method: clinical testing. Allele origin: germline.

Labcorp Genetics (formerly Invitae), Labcorp
Classification: Likely benign. Last evaluated: 2024-01-11. Review status: criteria provided, single submitter. Criteria: Invitae Variant Classification Sherloc (09022015). Collection method: clinical testing. Allele origin: germline.

NM_000539.3(RHO):c.361+9C>T

Gene: RHO (rhodopsin; plus strand). Cytogenetic location: 3q22.1.
Variant type: single nucleotide variant.
Coding change: c.361+9C>T on transcript NM_000539.3 (MANE Select); 9 bases into the intron after coding-DNA position 361, C replaced by T.
Molecular consequence: intron variant.
Genome position (GRCh38, 1-based): chr3:129,529,103, C>T. VCF-style: chr3-129529103-C-T. GRCh37 (hg19) VCF-style: chr3-129247946-C-T.
Identifiers: ClinVar variation 2968306 (VCV002968306.5), dbSNP rs541163949, ClinGen allele CA2607121.